The following is an entry in ClinVar:

ClinVar aggregate classification (germline): Uncertain significance (1 of 4 stars; one submission).

Conditions:
Gastrointestinal stromal tumor. Also called: Gastrointestinal stromal tumor, somatic; Gastrointestinal stroma tumor. Identifiers: Orphanet 44890, MedGen C0238198, MeSH D046152, MONDO:0011719, OMIM 606764, HP:0100723.

Submission:

Labcorp Genetics (formerly Invitae), Labcorp
Classification: Uncertain significance for Gastrointestinal stromal tumor. Last evaluated: 2024-11-17. Review status: criteria provided, single submitter. Criteria: Invitae Variant Classification Sherloc (09022015). Collection method: clinical testing. Allele origin: germline.
Comment: This sequence change replaces valine, which is neutral and non-polar, with leucine, which is neutral and non-polar, at codon 532 of the KIT protein (p.Val532Leu). This variant is not present in population databases (gnomAD no frequency). This variant has not been reported in the literature in individuals affected with KIT-related conditions. An algorithm developed to predict the effect of missense changes on protein structure and function (PolyPhen-2) suggests that this variant is likely to be tolerated. In summary, the available evidence is currently insufficient to determine the role of this variant in disease. Therefore, it has been classified as a Variant of Uncertain Significance.

NM_000222.3(KIT):c.1594G>T (p.Val532Leu)

Gene: KIT (KIT proto-oncogene, receptor tyrosine kinase; plus strand). Cytogenetic location: 4q12.
Variant type: single nucleotide variant.
Coding change: c.1594G>T on transcript NM_000222.3 (MANE Select); coding-DNA position 1594, G replaced by T.
Protein change: p.Val532Leu; replaces valine 532 with leucine.
Molecular consequence: missense variant.
Genome position (GRCh38, 1-based): chr4:54,727,271, G>T. VCF-style: chr4-54727271-G-T. GRCh37 (hg19) VCF-style: chr4-55593437-G-T.
Other names: c.1582G>T, p.Val528Leu (NM_001093772.2, NM_001385286.1); c.1597G>T, p.Val533Leu (NM_001385284.1, NM_001385290.1); c.1594G>T, p.Val532Leu (NM_001385285.1); c.1585G>T, p.Val529Leu (NM_001385288.1, NM_001385292.1); short protein forms V528L, V533L, V529L, V532L.
Identifiers: ClinVar variation 3686448 (VCV003686448.2).